The following is an entry in ClinVar:

NM_005733.3(KIF20A):c.1960C>G (p.Leu654Val)

Gene: KIF20A (kinesin family member 20A; plus strand). Cytogenetic location: 5q31.2.
Variant type: single nucleotide variant.
Coding change: c.1960C>G on transcript NM_005733.3 (MANE Select); coding-DNA position 1960, C replaced by G.
Protein change: p.Leu654Val; replaces leucine 654 with valine.
Molecular consequence: missense variant.
Genome position (GRCh38, 1-based): chr5:138,185,545, C>G. VCF-style: chr5-138185545-C-G. GRCh37 (hg19) VCF-style: chr5-137521234-C-G.
Other names: short protein forms L654V.
Identifiers: ClinVar variation 4749566 (VCV004749566.1).

ClinVar aggregate classification (germline): Uncertain significance (1 of 4 stars; one submission).

gnomAD v4.1: 1 of 1,613,892 alleles (0.000062%); highest among the groups gnomAD compares: Admixed American, 0.0017%; no homozygotes.

Submission:

Labcorp Genetics (formerly Invitae), Labcorp
Classification: Uncertain significance. Last evaluated: 2025-06-03. Review status: criteria provided, single submitter. Criteria: Invitae Variant Classification Sherloc (09022015). Collection method: clinical testing. Allele origin: germline.
Comment: This sequence change replaces leucine, which is neutral and non-polar, with valine, which is neutral and non-polar, at codon 654 of the KIF20A protein (p.Leu654Val). This variant is present in population databases (no rsID available, gnomAD 0.003%). This variant has not been reported in the literature in individuals affected with KIF20A-related conditions. An algorithm developed to predict the effect of missense changes on protein structure and function (PolyPhen-2) suggests that this variant is likely to be tolerated. In summary, the available evidence is currently insufficient to determine the role of this variant in disease. Therefore, it has been classified as a Variant of Uncertain Significance.